The following is an entry in ClinVar:

ClinVar aggregate classification (germline): Benign/Likely benign. Review status: criteria provided, multiple submitters, no conflicts (2 of 4 stars). 7 submissions from 7 submitters: Benign (6); Likely benign (1). Last evaluated 2026-02-04.

Conditions:
Netherton syndrome (NETH). Also called: NETHERTON DISEASE; ERYTHRODERMA, ICHTHYOSIFORM, WITH HYPOTRICHOSIS AND HYPER-IgE; COMEL-NETHERTON SYNDROME. Identifiers: Orphanet 634, MedGen C5574950, MONDO:0009735, OMIM 256500.
Ichthyosis linearis circumflexa. Identifiers: MedGen C0265962, MONDO:0043106, HP:0025810.

Allele frequency attached by ClinVar (database versions not stated): 1000 Genomes Project 30x 0.43051; ESP Exome Variant Server 0.43060; 1000 Genomes Project 0.43311; gnomAD 0.44163 and 0.44648; TOPMed 0.44519; ExAC 0.50670; gnomAD exomes 0.51214 and 0.51958.
gnomAD v4.1: 794,182 of 1,571,376 alleles (51%); highest among the groups gnomAD compares: Admixed American, 66%; 205,470 homozygotes.

Submissions (7):

Labcorp Genetics (formerly Invitae), Labcorp
Classification: Benign for Ichthyosis linearis circumflexa. Last evaluated: 2026-02-04. Review status: criteria provided, single submitter. Criteria: Invitae Variant Classification Sherloc (09022015). Collection method: clinical testing. Allele origin: germline.

Women's Health and Genetics/Laboratory Corporation of America, LabCorp
Classification: Benign. Last evaluated: 2026-01-08. Review status: criteria provided, single submitter. Criteria: LabCorp Variant Classification Summary - May 2015. Collection method: clinical testing. Allele origin: germline.

Blueprint Genetics
Classification: Likely benign. Last evaluated: 2024-11-26. Review status: criteria provided, single submitter. Criteria: ACMG Guidelines, 2015. Collection method: clinical testing. Allele origin: germline.

Unidad de Genómica Garrahan, Hospital de Pediatría Garrahan
Classification: Benign. Last evaluated: 2024-01-24. Review status: criteria provided, single submitter. Criteria: ACMG Guidelines, 2015. Collection method: clinical testing. Allele origin: germline. Affected: no. Observed: 78 variant alleles.
Comment: This variant is classified as Benign based on local population frequency. This variant was detected in 89% of patients studied by a panel of primary immunodeficiencies. Number of patients: 78. Only high quality variants are reported.

Genome-Nilou Lab
Classification: Benign for Netherton syndrome. Last evaluated: 2021-07-15. Review status: criteria provided, single submitter. Criteria: ACMG Guidelines, 2015. Collection method: clinical testing. Allele origin: germline. Affected: no.

GeneDx
Classification: Benign. Last evaluated: 2015-03-03. Review status: criteria provided, single submitter. Criteria: GeneDx Variant Classification Process June 2021. Collection method: clinical testing. Allele origin: germline. Affected: yes.

PreventionGenetics, part of Exact Sciences
Classification: Benign. Review status: criteria provided, single submitter. Criteria: ACMG Guidelines, 2015. Collection method: clinical testing. Allele origin: germline.

NM_006846.4(SPINK5):c.1302+19G>A

Gene: SPINK5 (serine peptidase inhibitor Kazal type 5; plus strand). Cytogenetic location: 5q32.
Variant type: single nucleotide variant.
Coding change: c.1302+19G>A on transcript NM_006846.4 (MANE Select); 19 bases into the intron after coding-DNA position 1302, G replaced by A.
Molecular consequence: intron variant.
Genome position (GRCh38, 1-based): chr5:148,101,455, G>A. VCF-style: chr5-148101455-G-A. GRCh37 (hg19) VCF-style: chr5-147481018-G-A.
Other names: c.1302+19G>A (NM_001127698.2, NM_001127699.2).
Identifiers: ClinVar variation 260044 (VCV000260044.19), dbSNP rs2303068, ClinGen allele CA3495543.